The following is an entry in ClinVar:

NM_000163.5(GHR):c.*1790G>A

Gene: GHR (growth hormone receptor; plus strand). Cytogenetic location: 5p12.
Variant type: single nucleotide variant.
Coding change: c.*1790G>A on transcript NM_000163.5 (MANE Select); 1790 bases downstream of the stop codon, G replaced by A.
Molecular consequence: 3 prime UTR variant.
Genome position (GRCh38, 1-based): chr5:42,721,214, G>A. VCF-style: chr5-42721214-G-A. GRCh37 (hg19) VCF-style: chr5-42721316-G-A.
Other names: c.*1790G>A (NM_001242399.2, NM_001242400.2, NM_001242401.4 and 6 more transcripts); c.*2749G>A (NM_001242462.1).
Identifiers: ClinVar variation 353711 (VCV000353711.5), dbSNP rs2973016, ClinGen allele CA10620492.

ClinVar aggregate classification (germline): Benign (1 of 4 stars; one submission).

Conditions:
Laron-type isolated somatotropin defect. Also called: GROWTH HORMONE RECEPTOR DEFICIENCY; Laron Syndrome; Growth hormone binding protein deficiency or dysfunction; Growth hormone receptor deficiency or dysfunction; Laron dwarfism; Laron type pituitary dwarfism I. Identifiers: Orphanet 633, MedGen C0271568, MONDO:0009877, OMIM 262500.

Allele frequency attached by ClinVar (database versions not stated): gnomAD 0.02583 and 0.03182; TOPMed 0.03139; 1000 Genomes Project 30x 0.08729; 1000 Genomes Project 0.09125.

Submission:

Illumina Laboratory Services, Illumina
Classification: Benign for Laron-type isolated somatotropin defect. Last evaluated: 2018-01-12. Review status: criteria provided, single submitter. Criteria: ICSL Variant Classification Criteria 13 December 2019. Collection method: clinical testing. Allele origin: germline.
Comment: This variant was observed in the ICSL laboratory as part of a predisposition screen in an ostensibly healthy population. It had not been previously curated by ICSL or reported in the Human Gene Mutation Database (HGMD: prior to June 1st, 2018), and was therefore a candidate for classification through an automated scoring system. Utilizing variant allele frequency, disease prevalence and penetrance estimates, and inheritance mode, an automated score was calculated to assess if this variant is too frequent to cause the disease. Based on the score and internal cut-off values, a variant classified as benign is not then subjected to further curation. The score for this variant resulted in a classification of benign for this disease.